The following is an entry in ClinVar:

ClinVar aggregate classification (germline): Likely benign. Review status: criteria provided, multiple submitters, no conflicts (2 of 4 stars). 2 submissions from 2 submitters: Likely benign (2). Last evaluated 2025-09-09.

gnomAD v4.1: 30 of 1,613,264 alleles (0.0019%); highest among the groups gnomAD compares: African/African-American, 0.028%; no homozygotes.

Submissions (2):

Labcorp Genetics (formerly Invitae), Labcorp
Classification: Likely benign. Last evaluated: 2025-09-09. Review status: criteria provided, single submitter. Criteria: Invitae Variant Classification Sherloc (09022015). Collection method: clinical testing. Allele origin: germline.

CeGaT Center for Human Genetics Tuebingen
Classification: Likely benign. Last evaluated: 2025-08-01. Review status: criteria provided, single submitter. Criteria: CeGaT Center For Human Genetics Tuebingen Variant Classification Criteria Version 2. Collection method: clinical testing. Allele origin: germline. Affected: yes. Observed: 1 variant allele.
Comment: AEBP1: BP4, BP7

NM_001129.5(AEBP1):c.2379G>A (p.Arg793=)

Gene: AEBP1 (AE binding protein 1; plus strand). Cytogenetic location: 7p13.
Variant type: single nucleotide variant.
Coding change: c.2379G>A on transcript NM_001129.5 (MANE Select); coding-DNA position 2379, G replaced by A.
Protein change: p.Arg793=; no amino-acid change (arginine 793 retained).
Molecular consequence: synonymous variant.
Genome position (GRCh38, 1-based): chr7:44,112,719, G>A. VCF-style: chr7-44112719-G-A. GRCh37 (hg19) VCF-style: chr7-44152318-G-A.
Identifiers: ClinVar variation 2712774 (VCV002712774.11), dbSNP rs142028646, ClinGen allele CA4238194.
Genomic context (GRCh38, chr7:44,112,719, plus strand): 5'-CGATATGGCCCGCACGCCTACCCAGGAGCAGCTGCTGGCCGCAGCCATGGCAGCAGCCCG[G>A]GGGGAGGATGAGGACGAGGTCTCCGAGGCCCAGGAGACTCCAGACCACGCCATCTTCCGG-3'
Protein context (NP_001120.3, residues 783-803): QLLAAAMAAA[Arg793=]GEDEDEVSEA